The following is an entry in ClinVar:

ClinVar aggregate classification (germline): Uncertain significance. Review status: criteria provided, multiple submitters, no conflicts (2 of 4 stars). 2 submissions from 2 submitters: Uncertain significance (2). Last evaluated 2026-01-21.

Conditions:
Gingival disorder. Also called: Gingival disease. Identifiers: MedGen C0017563, MONDO:0002021.

Allele frequency attached by ClinVar (database versions not stated): gnomAD exomes 0.00001 and 0.00002; TOPMed 0.00001; ExAC 0.00002; gnomAD 0.00003 and 0.00004; ESP Exome Variant Server 0.00008.

Submissions (2):

Labcorp Genetics (formerly Invitae), Labcorp
Classification: Uncertain significance for Gingival disorder. Last evaluated: 2026-01-21. Review status: criteria provided, single submitter. Criteria: Invitae Variant Classification Sherloc (09022015). Collection method: clinical testing. Allele origin: germline.
Comment: This sequence change replaces proline, which is neutral and non-polar, with serine, which is neutral and polar, at codon 149 of the FPR1 protein (p.Pro149Ser). This variant is present in population databases (rs376781635, gnomAD 0.004%). This variant has not been reported in the literature in individuals affected with FPR1-related conditions. ClinVar contains an entry for this variant (Variation ID: 1397266). An algorithm developed to predict the effect of missense changes on protein structure and function (PolyPhen-2) suggests that this variant is likely to be tolerated. In summary, the available evidence is currently insufficient to determine the role of this variant in disease. Therefore, it has been classified as a Variant of Uncertain Significance.

Ambry Genetics
Classification: Uncertain significance. Last evaluated: 2024-04-12. Review status: criteria provided, single submitter. Criteria: Ambry Variant Classification Scheme 2023. Collection method: clinical testing. Allele origin: germline.

NM_002029.4(FPR1):c.445C>T (p.Pro149Ser)

Gene: FPR1 (formyl peptide receptor 1; minus strand). Cytogenetic location: 19q13.41.
Variant type: single nucleotide variant.
Coding change: c.445C>T on transcript NM_002029.4 (MANE Select); coding-DNA position 445, C replaced by T.
Protein change: p.Pro149Ser; replaces proline 149 with serine.
Molecular consequence: missense variant.
Genome position (GRCh38, 1-based): chr19:51,746,550, G>A on the plus strand (C>T on the coding strand, the complement: FPR1 is on the minus strand). VCF-style: chr19-51746550-G-A. GRCh37 (hg19) VCF-style: chr19-52249803-G-A.
Other names: c.445C>T, p.Pro149Ser (NM_001193306.2); c.445C>T (NM_002029.3); short protein forms P149S.
Identifiers: ClinVar variation 1397266 (VCV001397266.9), dbSNP rs376781635, ClinGen allele CA9616461.